The following is an entry in ClinVar:

ClinVar aggregate classification (germline): Pathogenic (1 of 4 stars; one submission).

Submission:

GeneDx
Classification: Pathogenic. Last evaluated: 2026-01-17. Review status: criteria provided, single submitter. Criteria: GeneDx Variant Classification Process June 2021. Collection method: clinical testing. Allele origin: germline.
Comment: Nonsense variant predicted to result in protein truncation or nonsense mediated decay in a gene for which loss of function is a known mechanism of disease; Not observed at significant frequency in large population cohorts (gnomAD); Has not been previously published as pathogenic or benign to our knowledge

NM_001378418.1(TCF20):c.325C>T (p.Arg109Ter)

Gene: TCF20 (transcription factor 20; minus strand). Cytogenetic location: 22q13.2.
Variant type: single nucleotide variant.
Coding change: c.325C>T on transcript NM_001378418.1 (MANE Select); coding-DNA position 325, C replaced by T.
Protein change: p.Arg109Ter; replaces arginine 109 with a stop codon.
Molecular consequence: nonsense.
Genome position (GRCh38, 1-based): chr22:42,214,981, G>A on the plus strand (C>T on the coding strand, the complement: TCF20 is on the minus strand). VCF-style: chr22-42214981-G-A. GRCh37 (hg19) VCF-style: chr22-42610987-G-A.
Other names: c.325C>T, p.Arg109Ter (NM_005650.4, NM_181492.3); short protein forms R109*.
Identifiers: ClinVar variation 3777593 (VCV003777593.2).